The following is an entry in ClinVar:

ClinVar aggregate classification (germline): Uncertain significance (1 of 4 stars; one submission).

Conditions:
Cardiovascular phenotype. Identifiers: MedGen CN230736.

Submission:

Ambry Genetics
Classification: Uncertain significance for Cardiovascular phenotype. Last evaluated: 2022-04-23. Review status: criteria provided, single submitter. Criteria: Ambry Variant Classification Scheme 2023. Collection method: clinical testing. Allele origin: germline.
Comment: The p.L690M variant (also known as c.2068C>A), located in coding exon 16 of the MYH6 gene, results from a C to A substitution at nucleotide position 2068. The leucine at codon 690 is replaced by methionine, an amino acid with highly similar properties. This amino acid position is conserved. In addition, the in silico prediction for this alteration is inconclusive. Since supporting evidence is limited at this time, the clinical significance of this alteration remains unclear.

NM_002471.4(MYH6):c.2068C>A (p.Leu690Met)

Gene: MYH6 (myosin heavy chain 6; minus strand). Cytogenetic location: 14q11.2.
Variant type: single nucleotide variant.
Coding change: c.2068C>A on transcript NM_002471.4 (MANE Select); coding-DNA position 2068, C replaced by A.
Protein change: p.Leu690Met; replaces leucine 690 with methionine.
Molecular consequence: missense variant.
Genome position (GRCh38, 1-based): chr14:23,397,063, G>T on the plus strand (C>A on the coding strand, the complement: MYH6 is on the minus strand). VCF-style: chr14-23397063-G-T. GRCh37 (hg19) VCF-style: chr14-23866272-G-T.
Other names: short protein forms L690M.
Identifiers: ClinVar variation 1785321 (VCV001785321.2), dbSNP rs772467296, ClinGen allele CA389019010.